The following is an entry in ClinVar:

ClinVar aggregate classification (germline): Uncertain significance (1 of 4 stars; one submission).

Conditions:
Autosomal dominant Parkinson disease 8. Also called: Parkinson disease 8, susceptibility to; LRRK2-Related Parkinson Disease; Parkinson disease 8. Identifiers: Orphanet 411602, MedGen C1846862, MONDO:0011764, OMIM 607060.

Submission:

Labcorp Genetics (formerly Invitae), Labcorp
Classification: Uncertain significance for Autosomal dominant Parkinson disease 8. Last evaluated: 2024-05-06. Review status: criteria provided, single submitter. Criteria: Invitae Variant Classification Sherloc (09022015). Collection method: clinical testing. Allele origin: germline.
Comment: This sequence change creates a premature translational stop signal (p.Asn1139Thrfs*24) in the LRRK2 gene. It is expected to result in an absent or disrupted protein product. However, the current clinical and genetic evidence is not sufficient to establish whether loss-of-function variants in LRRK2 cause disease. This variant is not present in population databases (gnomAD no frequency). This variant has not been reported in the literature in individuals affected with LRRK2-related conditions. Algorithms developed to predict the effect of sequence changes on RNA splicing suggest that this variant may disrupt the consensus splice site. In summary, the available evidence is currently insufficient to determine the role of this variant in disease. Therefore, it has been classified as a Variant of Uncertain Significance.

NM_198578.4(LRRK2):c.3416del (p.Asn1139fs)

Gene: LRRK2 (leucine rich repeat kinase 2; plus strand). Cytogenetic location: 12q12.
Variant type: Deletion.
Coding change: c.3416del on transcript NM_198578.4 (MANE Select); coding-DNA position 3416, one base deleted (A; older notation c.3416delA).
Protein change: p.Asn1139fs; shifts the reading frame from asparagine 1139.
Molecular consequence: frameshift variant.
Genome position (GRCh38, 1-based): chr12:40,299,177, A deleted; the last of 2 consecutive A bases (chr12:40,299,176-40,299,177); deleting either gives the same sequence. VCF-style (leftmost placement, unchanged base first): chr12-40299175-GA-G. GRCh37 (hg19) VCF-style: chr12-40692977-GA-G.
Other names: short protein forms N1139fs.
Identifiers: ClinVar variation 3652327 (VCV003652327.2).
Genomic context (GRCh38, chr12:40,299,175, plus strand): 5'-AATATCAGGGATATGCTCCCCCTTGAGACTGAAGGAACTGAAGATTTTAAACCTTAGTAA[GA>G]ACCACATTTCATCCCTATCAGAGAACTTTCTTGAGGCTTGTCCTAAAGTGGAGAGTTTCA-3'